The following is an entry in ClinVar:

ClinVar aggregate classification (germline): Pathogenic (1 of 4 stars; one submission).

Conditions:
Anophthalmia/microphthalmia-esophageal atresia syndrome (MCOPS3). Also called: MICROPHTHALMIA AND ESOPHAGEAL ATRESIA SYNDROME; AEG SYNDROME; SOX2 Disorder. Identifiers: Orphanet 77298, MedGen C1859773, MONDO:0008799, OMIM 206900.

Submission:

Labcorp Genetics (formerly Invitae), Labcorp
Classification: Pathogenic for Anophthalmia/microphthalmia-esophageal atresia syndrome. Last evaluated: 2018-04-11. Review status: criteria provided, single submitter. Criteria: Invitae Variant Classification Sherloc (09022015). Collection method: clinical testing. Allele origin: germline.
Comment: Other frameshift variants (p.Ala281Argfs*87, p.Leu314Serfs*57, p.Pro302Argfs*69) that lie downstream of this variant and result in a similarly extended protein product have been reported in individuals affected with microphthalmia (PMID: 24498598, 19921648, 24211324). In addition, a missense variant (p.Ala287Pro) that lies downstream of this variant has been reported in an individual affected with microphthalmia (PMID: 19921648). For these reasons, this variant has been classified as Pathogenic. This variant has not been reported in the literature in individuals with SOX2-related disease. This variant is not present in population databases (ExAC no frequency). This sequence change deletes 20 nucleotides and inserts 7 nucleotides from exon 1 of the SOX2 mRNA (c.841_860delinsACCTCGG), causing a frameshift at codon 281. This creates a frameshift in the SOX2 mRNA (p.Ala281Thrfs*86). While this is not anticipated to result in nonsense mediated decay, it is expected to disrupt the last 37 amino acids of the SOX2 protein, and to extend the protein by an additional 48 amino acids.

Literature cited by the submitters: PubMed 24498598; PubMed 19921648; PubMed 24211324.

NM_003106.4(SOX2):c.841_860delinsACCTCGG (p.Ala281fs)

Genes: SOX2-OT (SOX2 overlapping transcript; plus strand), SOX2 (SRY-box transcription factor 2; plus strand). Cytogenetic location: 3q26.33.
Variant type: Indel.
Coding change: c.841_860delinsACCTCGG on transcript NM_003106.4 (MANE Select); coding-DNA positions 841 to 860, GCCGAGGTGCCGGAACCCGC replaced by ACCTCGG.
Protein change: p.Ala281fs; shifts the reading frame from alanine 281.
Molecular consequence: frameshift variant.
Genome position (GRCh38, 1-based): chr3:181,713,201-181,713,220, GCCGAGGTGCCGGAACCCGC replaced by ACCTCGG. VCF-style: chr3-181713201-GCCGAGGTGCCGGAACCCGC-ACCTCGG. GRCh37 (hg19) VCF-style: chr3-181430989-GCCGAGGTGCCGGAACCCGC-ACCTCGG.
Other names: short protein forms A281fs.
Identifiers: ClinVar variation 566314 (VCV000566314.5), dbSNP rs1560264973, ClinGen allele CA891843086.